The following is an entry in ClinVar:

NM_005476.7(GNE):c.*936C>T

Gene: GNE (glucosamine (UDP-N-acetyl)-2-epimerase/N-acetylmannosamine kinase; minus strand). Cytogenetic location: 9p13.3.
Variant type: single nucleotide variant.
Coding change: c.*936C>T on transcript NM_005476.7 (MANE Select); 936 bases downstream of the stop codon, C replaced by T.
Molecular consequence: 3 prime UTR variant.
Genome position (GRCh38, 1-based): chr9:36,216,429, G>A on the plus strand (C>T on the coding strand, the complement: GNE is on the minus strand). VCF-style: chr9-36216429-G-A. GRCh37 (hg19) VCF-style: chr9-36216426-G-A.
Other names: c.*936C>T (NM_001128227.3, NM_001190383.3, NM_001190384.3 and 3 more transcripts).
Identifiers: ClinVar variation 366825 (VCV000366825.7), dbSNP rs56974443, ClinGen allele CA10630070.

ClinVar aggregate classification (germline): Benign. Review status: criteria provided, multiple submitters, no conflicts (2 of 4 stars). 2 submissions from 2 submitters: Benign (2). Last evaluated 2018-01-12.

Conditions:
Sialuria. Also called: SIALURIA, FRENCH TYPE; Sialic Acid Storage Disease. Identifiers: Orphanet 3166, MedGen C0342853, MONDO:0010028, OMIM 269921.

Allele frequency attached by ClinVar (database versions not stated): 1000 Genomes Project 0.30032; 1000 Genomes Project 30x 0.30450; TOPMed 0.41414.
gnomAD v4.1: 128,414 of 299,496 alleles (43%); highest among the groups gnomAD compares: Non-Finnish European, 52%; 30,133 homozygotes.

Submissions (2):

Illumina Laboratory Services, Illumina
Classification: Benign for Sialuria. Last evaluated: 2018-01-12. Review status: criteria provided, single submitter. Criteria: ICSL Variant Classification Criteria 13 December 2019. Collection method: clinical testing. Allele origin: germline.
Comment: This variant was observed in the ICSL laboratory as part of a predisposition screen in an ostensibly healthy population. It had not been previously curated by ICSL or reported in the Human Gene Mutation Database (HGMD: prior to June 1st, 2018), and was therefore a candidate for classification through an automated scoring system. Utilizing variant allele frequency, disease prevalence and penetrance estimates, and inheritance mode, an automated score was calculated to assess if this variant is too frequent to cause the disease. Based on the score and internal cut-off values, a variant classified as benign is not then subjected to further curation. The score for this variant resulted in a classification of benign for this disease.

Breakthrough Genomics
Classification: Benign. Review status: criteria provided, single submitter. Criteria: ACMG Guidelines, 2015. Collection method: not provided. Allele origin: germline. Inheritance: Autosomal recessive inheritance. Affected: yes.